The following is an entry in ClinVar:

NM_153240.5(NPHP3):c.2060C>T (p.Ser687Phe)

Genes: NPHP3 (nephrocystin 3; minus strand), NPHP3-ACAD11 (NPHP3-ACAD11 readthrough (NMD candidate); minus strand). Cytogenetic location: 3q22.1.
Variant type: single nucleotide variant.
Coding change: c.2060C>T on transcript NM_153240.5 (MANE Select); coding-DNA position 2060, C replaced by T.
Protein change: p.Ser687Phe; replaces serine 687 with phenylalanine.
Molecular consequence: missense variant. On other transcripts: non-coding transcript variant (1).
Genome position (GRCh38, 1-based): chr3:132,697,288, G>A on the plus strand (C>T on the coding strand, the complement: NPHP3 is on the minus strand). VCF-style: chr3-132697288-G-A. GRCh37 (hg19) VCF-style: chr3-132416132-G-A.
Other names: short protein forms S687F.
Identifiers: ClinVar variation 658138 (VCV000658138.8), dbSNP rs1017195284, ClinGen allele CA83591250.

ClinVar aggregate classification (germline): Uncertain significance (1 of 4 stars; one submission).

Conditions:
Nephronophthisis. Also called: Juvenile Nephronophthisis. Identifiers: Orphanet 655, MedGen C0687120, MONDO:0019005, HP:0000090.

Allele frequency attached by ClinVar (database versions not stated): gnomAD exomes below 0.00001; gnomAD 0.00001; TOPMed 0.00003.
gnomAD v4.1: 2 of 1,610,924 alleles (0.00012%); highest among the groups gnomAD compares: African/African-American, 0.0027%; no homozygotes.

Submission:

Labcorp Genetics (formerly Invitae), Labcorp
Classification: Uncertain significance for Nephronophthisis. Last evaluated: 2018-08-20. Review status: criteria provided, single submitter. Criteria: Invitae Variant Classification Sherloc (09022015). Collection method: clinical testing. Allele origin: germline.
Comment: In summary, the available evidence is currently insufficient to determine the role of this variant in disease. Therefore, it has been classified as a Variant of Uncertain Significance. Algorithms developed to predict the effect of missense changes on protein structure and function are either unavailable or do not agree on the potential impact of this missense change (SIFT: "Deleterious"; PolyPhen-2: "Possibly Damaging"; Align-GVGD: "Class C0"). This variant has not been reported in the literature in individuals with NPHP3-related disease. This variant is not present in population databases (ExAC no frequency). This sequence change replaces serine with phenylalanine at codon 687 of the NPHP3 protein (p.Ser687Phe). The serine residue is moderately conserved and there is a large physicochemical difference between serine and phenylalanine.